The following is an entry in ClinVar:

NM_003742.4(ABCB11):c.434A>G (p.Tyr145Cys)

Gene: ABCB11 (ATP binding cassette subfamily B member 11; minus strand). Cytogenetic location: 2q31.1.
Variant type: single nucleotide variant.
Coding change: c.434A>G on transcript NM_003742.4 (MANE Select); coding-DNA position 434, A replaced by G.
Protein change: p.Tyr145Cys; replaces tyrosine 145 with cysteine.
Molecular consequence: missense variant.
Genome position (GRCh38, 1-based): chr2:168,996,678, T>C on the plus strand (A>G on the coding strand, the complement: ABCB11 is on the minus strand). VCF-style: chr2-168996678-T-C. GRCh37 (hg19) VCF-style: chr2-169853188-T-C.
Other names: c.434A>G (NM_003742.2); c.434A>G, p.Tyr145Cys (LRG_1199t1); short protein forms Y145C.
Identifiers: ClinVar variation 498144 (VCV000498144.7), dbSNP rs1334068953, ClinGen allele CA349132688.

ClinVar aggregate classification (germline): Uncertain significance. Review status: criteria provided, multiple submitters, no conflicts (2 of 4 stars). 3 submissions from 3 submitters: Uncertain significance (3). Last evaluated 2026-04-14.

Conditions:
ABCB11-related disorder. Also called: ABCB11-related condition.
Familial intrahepatic cholestasis. Identifiers: Orphanet 284385, MedGen CN296401, MONDO:0017290.

Allele frequency attached by ClinVar (database versions not stated): gnomAD exomes below 0.00001; gnomAD 0.00001; TOPMed 0.00001.
gnomAD v4.1: 3 of 1,575,362 alleles (0.00019%); highest among the groups gnomAD compares: African/African-American, 0.0014%; no homozygotes.

Submissions (3):

Genomenon, Inc
Classification: Uncertain significance for Familial intrahepatic cholestasis. Last evaluated: 2026-04-14. Review status: criteria provided, single submitter. Criteria: Genomenon Sequence Variant Interpretation Standards - Updated. Collection method: curation. Allele origin: germline. Affected: yes.
Comment: ABCB11 p.Tyr145Cys (c.434A>G) is a missense variant that changes the amino acid at residue 145 from Tyrosine to Cysteine. This variant has been observed in at least one proband with an ABCB11-related disorder (PMID:32087350). It is absent or not present at a significant frequency in gnomAD. In silico models predict that this variant is possibly or probably damaging. In conclusion, we classify ABCB11 p.Tyr145Cys (c.434A>G) as a variant of uncertain significance.

PreventionGenetics, part of Exact Sciences
Classification: Uncertain significance for ABCB11-related condition. Last evaluated: 2025-12-13. Review status: criteria provided, single submitter. Criteria: ACMG Guidelines, 2015. Collection method: clinical testing. Allele origin: germline.
Comment: The ABCB11 c.434A>G variant is predicted to result in the amino acid substitution p.Tyr145Cys. To our knowledge, this variant has not been reported in the literature or in a large population database (gnomAD), indicating this variant is rare. This variant is interpreted as uncertain in ClinVar (Variation ID: 498144). At this time, the clinical significance of this variant is uncertain due to the absence of conclusive functional and genetic evidence.

Eurofins Ntd Llc (ga)
Classification: Uncertain significance. Last evaluated: 2017-09-29. Review status: criteria provided, single submitter. Criteria: EGL Classification Definitions 2015. Collection method: clinical testing. Allele origin: germline. Observed: 2 variant alleles, 2 heterozygotes.

Literature cited by the submitters: PubMed 32087350 (cited by Genomenon, Inc).